The following is an entry in ClinVar:

ClinVar aggregate classification (germline): Uncertain significance. Review status: criteria provided, multiple submitters, no conflicts (2 of 4 stars). 3 submissions from 3 submitters: Uncertain significance (2). 1 of the submissions does not count toward it. Last evaluated 2025-11-03.

Conditions:
CYP7A1-related disorder. Also called: CYP7A1-related condition.

Allele frequency attached by ClinVar (database versions not stated): TOPMed below 0.00001; gnomAD 0.00001; gnomAD exomes 0.00003.

Submissions (3):

Labcorp Genetics (formerly Invitae), Labcorp
Classification: Uncertain significance. Last evaluated: 2025-11-03. Review status: criteria provided, single submitter. Criteria: Invitae Variant Classification Sherloc (09022015). Collection method: clinical testing. Allele origin: germline.
Comment: This sequence change replaces serine, which is neutral and polar, with alanine, which is neutral and non-polar, at codon 161 of the CYP7A1 protein (p.Ser161Ala). This variant is present in population databases (no rsID available, gnomAD 0.007%). This variant has not been reported in the literature in individuals affected with CYP7A1-related conditions. ClinVar contains an entry for this variant (Variation ID: 3032842). An algorithm developed to predict the effect of missense changes on protein structure and function outputs the following: PolyPhen-2: "Benign". The alanine amino acid residue is found in multiple mammalian species, which suggests that this missense change does not adversely affect protein function. In summary, the available evidence is currently insufficient to determine the role of this variant in disease. Therefore, it has been classified as a Variant of Uncertain Significance.

Ambry Genetics
Classification: Uncertain significance. Last evaluated: 2025-01-18. Review status: criteria provided, single submitter. Criteria: Ambry Variant Classification Scheme 2023. Collection method: clinical testing. Allele origin: germline.

PreventionGenetics, part of Exact Sciences
Classification: Uncertain significance for CYP7A1-related condition. Last evaluated: 2024-02-15. Review status: no assertion criteria provided. Collection method: clinical testing. Allele origin: germline. Not counted in ClinVar's aggregate classification.
Comment: The CYP7A1 c.481T>G variant is predicted to result in the amino acid substitution p.Ser161Ala. To our knowledge, this variant has not been reported in the literature. This variant is reported in 0.0065% of alleles in individuals of European (Non-Finnish) descent in gnomAD. At this time, the clinical significance of this variant is uncertain due to the absence of conclusive functional and genetic evidence.

NM_000780.4(CYP7A1):c.481T>G (p.Ser161Ala)

Gene: CYP7A1 (cytochrome P450 family 7 subfamily A member 1; minus strand). Cytogenetic location: 8q12.1.
Variant type: single nucleotide variant.
Coding change: c.481T>G on transcript NM_000780.4 (MANE Select); coding-DNA position 481, T replaced by G.
Protein change: p.Ser161Ala; replaces serine 161 with alanine.
Molecular consequence: missense variant.
Genome position (GRCh38, 1-based): chr8:58,497,031, A>C on the plus strand (T>G on the coding strand, the complement: CYP7A1 is on the minus strand). VCF-style: chr8-58497031-A-C. GRCh37 (hg19) VCF-style: chr8-59409590-A-C.
Other names: short protein forms S161A.
Identifiers: ClinVar variation 3032842 (VCV003032842.4), dbSNP rs1246691908, ClinGen allele CA371294406.